The following is an entry in ClinVar:

ClinVar aggregate classification (germline): Likely benign. Review status: criteria provided, multiple submitters, no conflicts (2 of 4 stars). 3 submissions from 3 submitters: Likely benign (2). 1 of the submissions does not count toward it. Last evaluated 2018-06-28.

Conditions:
BACE2-related disorder. Also called: BACE2-related condition.

Allele frequency attached by ClinVar (database versions not stated): gnomAD 0.00021 and 0.00019; ExAC 0.00024; gnomAD exomes 0.00029 and 0.00013; ESP Exome Variant Server 0.00032; TOPMed 0.00033.
gnomAD v4.1: 368 of 1,346,766 alleles (0.027%); highest among the groups gnomAD compares: Non-Finnish European, 0.034%; no homozygotes.

Submissions (3):

Labcorp Genetics (formerly Invitae), Labcorp
Classification: Likely benign. Last evaluated: 2018-06-28. Review status: criteria provided, single submitter. Criteria: Invitae Variant Classification Sherloc (09022015). Collection method: clinical testing. Allele origin: germline.

Breakthrough Genomics
Classification: Likely benign. Review status: criteria provided, single submitter. Criteria: ACMG Guidelines, 2015. Collection method: not provided. Allele origin: germline. Inheritance: Unknown mechanism. Affected: yes.

PreventionGenetics, part of Exact Sciences
Classification: Likely benign for BACE2-related condition. Last evaluated: 2019-12-03. Review status: no assertion criteria provided. Collection method: clinical testing. Allele origin: germline. Not counted in ClinVar's aggregate classification.
Comment: This variant is classified as likely benign based on ACMG/AMP sequence variant interpretation guidelines (Richards et al. 2015 PMID: 25741868, with internal and published modifications).

NM_012105.5(BACE2):c.264T>A (p.Ser88=)

Gene: BACE2 (beta-secretase 2; plus strand). Cytogenetic location: 21q22.2.
Variant type: single nucleotide variant.
Coding change: c.264T>A on transcript NM_012105.5 (MANE Select); coding-DNA position 264, T replaced by A.
Protein change: p.Ser88=; no amino-acid change (serine 88 retained).
Molecular consequence: synonymous variant.
Genome position (GRCh38, 1-based): chr21:41,168,527, T>A. VCF-style: chr21-41168527-T-A. GRCh37 (hg19) VCF-style: chr21-42540454-T-A.
Other names: c.264T>A, p.Ser88= (NM_138991.3, NM_138992.3).
Identifiers: ClinVar variation 755920 (VCV000755920.6), dbSNP rs376619639, ClinGen allele CA10031893.